The following is an entry in ClinVar:

NM_000059.4(BRCA2):c.4459_4460insT (p.Lys1487fs)

Gene: BRCA2 (BRCA2 DNA repair associated; plus strand). Cytogenetic location: 13q13.1.
Variant type: Insertion.
Coding change: c.4459_4460insT on transcript NM_000059.4 (MANE Select); coding-DNA positions 4459 to 4460, T inserted.
Protein change: p.Lys1487fs; shifts the reading frame from lysine 1487.
Molecular consequence: frameshift variant.
Genome position: GRCh38 VCF-style: chr13-32338814-A-AT. GRCh37 (hg19) VCF-style: chr13-32912951-A-AT.
Other names: c.4459_4460insT, p.Lys1487Ilefs (NM_001406719.1, NM_001406720.1); short protein forms K1487fs.
Identifiers: ClinVar variation 1740746 (VCV001740746.4), dbSNP rs2548528423, ClinGen allele CA2580087293.

ClinVar aggregate classification (germline): Pathogenic. Review status: criteria provided, multiple submitters, no conflicts (2 of 4 stars). 2 submissions from 2 submitters: Pathogenic (2). Last evaluated 2024-04-22.

Conditions:
Hereditary cancer-predisposing syndrome. Also called: Hereditary Cancer Syndrome; Hereditary neoplastic syndrome; Neoplastic Syndromes, Hereditary; Tumor predisposition. Identifiers: Orphanet 140162, MedGen C0027672, MeSH D009386, MONDO:0015356.
Hereditary breast ovarian cancer syndrome. Also called: Hereditary breast and ovarian cancer syndrome (HBOC); Hereditary breast and ovarian cancer syndrome; Breast and ovarian cancer; Hereditary breast and/or ovarian cancer syndrome; Hereditary breast and ovarian cancer; BRCA1- and BRCA2-Associated Hereditary Breast and Ovarian Cancer. Identifiers: Orphanet 145, MedGen C0677776, MeSH D061325, MONDO:0003582. Disease mechanism: loss of function.

Submissions (2):

Labcorp Genetics (formerly Invitae), Labcorp
Classification: Pathogenic for Hereditary breast ovarian cancer syndrome. Last evaluated: 2024-04-22. Review status: criteria provided, single submitter. Criteria: Invitae Variant Classification Sherloc (09022015). Collection method: clinical testing. Allele origin: germline.
Comment: This sequence change creates a premature translational stop signal (p.Lys1487Ilefs*27) in the BRCA2 gene. It is expected to result in an absent or disrupted protein product. Loss-of-function variants in BRCA2 are known to be pathogenic (PMID: 20104584). This variant is not present in population databases (gnomAD no frequency). This variant has not been reported in the literature in individuals affected with BRCA2-related conditions. ClinVar contains an entry for this variant (Variation ID: 1740746). For these reasons, this variant has been classified as Pathogenic.

Ambry Genetics
Classification: Pathogenic for Hereditary cancer-predisposing syndrome. Last evaluated: 2020-04-02. Review status: criteria provided, single submitter. Criteria: Ambry Variant Classification Scheme 2023. Collection method: clinical testing. Allele origin: germline.
Comment: The c.4459_4460insT pathogenic mutation, located in coding exon 10 of the BRCA2 gene, results from an insertion of one nucleotide at position 4459, causing a translational frameshift with a predicted alternate stop codon (p.K1487Ifs*27). This alteration is expected to result in loss of function by premature protein truncation or nonsense-mediated mRNA decay. As such, this alteration is interpreted as a disease-causing mutation.

Literature cited by the submitters: PubMed 20104584 (cited by Labcorp Genetics (formerly Invitae), Labcorp).